The following is an entry in ClinVar:

NM_006946.4(SPTBN2):c.3867+1G>C

Gene: SPTBN2 (spectrin beta, non-erythrocytic 2; minus strand). Cytogenetic location: 11q13.2.
Variant type: single nucleotide variant.
Coding change: c.3867+1G>C on transcript NM_006946.4 (MANE Select); the canonical splice donor site of the intron after coding-DNA position 3867, G replaced by C.
Molecular consequence: splice donor variant.
Genome position (GRCh38, 1-based): chr11:66,698,991, C>G on the plus strand (G>C on the coding strand, the complement: SPTBN2 is on the minus strand). VCF-style: chr11-66698991-C-G. GRCh37 (hg19) VCF-style: chr11-66466462-C-G.
Other names: c.3867+1G>C (NM_001437541.1); c.3888+1G>C (NM_001411025.1).
Identifiers: ClinVar variation 4085932 (VCV004085932.8).
Genomic context (GRCh38, chr11:66,698,991, plus strand): 5'-TCTAGGCTCAAGGTGAGAAAGGGATGGCTAGGGAATATCCCGGGGCCCCAGGGAGCCTCA[C>G]CTCGTGACAATCTTGCAGGAAATGCTGCTGCTCCCGGTTGTCCCGAAGACGGCCCAGAAA-3'

ClinVar aggregate classification (germline): Pathogenic (1 of 4 stars; one submission).

Submission:

CeGaT Center for Human Genetics Tuebingen
Classification: Pathogenic. Last evaluated: 2025-08-01. Review status: criteria provided, single submitter. Criteria: CeGaT Center For Human Genetics Tuebingen Variant Classification Criteria Version 2. Collection method: clinical testing. Allele origin: germline. Affected: yes. Observed: 1 variant allele.
Comment: SPTBN2: PVS1, PM2